The following is an entry in ClinVar:

NM_001510.4(GRID2):c.2559G>A (p.Thr853=)

Gene: GRID2 (glutamate ionotropic receptor delta type subunit 2; plus strand). Cytogenetic location: 4q22.2.
Variant type: single nucleotide variant.
Coding change: c.2559G>A on transcript NM_001510.4 (MANE Select); coding-DNA position 2559, G replaced by A.
Protein change: p.Thr853=; no amino-acid change (threonine 853 retained).
Molecular consequence: synonymous variant.
Genome position (GRCh38, 1-based): chr4:93,769,408, G>A. VCF-style: chr4-93769408-G-A. GRCh37 (hg19) VCF-style: chr4-94690559-G-A.
Other names: c.2274G>A, p.Thr758= (NM_001286838.1).
Identifiers: ClinVar variation 3042771 (VCV003042771.16), dbSNP rs151216204, ClinGen allele CA3012571.
Genomic context (GRCh38, chr4:93,769,408, plus strand): 5'-GGTCTTTTGTATCCTGGCTGCTGGAATTGTCCTCTCCTGCTTCATAGCCATGCTGGAGAC[G>A]TGGTGGAACAAGAGGAAAGGCTCCCGGGTTCCATCAAAAGAGGTACTTGATTGAGAGATT-3'
Protein context (NP_001501.2, residues 843-863): VLSCFIAMLE[Thr853=]WWNKRKGSRV

ClinVar aggregate classification (germline): Likely benign. Review status: criteria provided, multiple submitters, no conflicts (2 of 4 stars). 3 submissions from 3 submitters: Likely benign (2). 1 of the submissions does not count toward it. Last evaluated 2025-01-01.

Conditions:
GRID2-related disorder. Also called: GRID2-related condition.

Allele frequency attached by ClinVar (database versions not stated): ESP Exome Variant Server 0.00023; TOPMed 0.00008; gnomAD 0.00009; ExAC 0.00010; 1000 Genomes Project 30x 0.00016; 1000 Genomes Project 0.00020.
gnomAD v4.1: 91 of 1,613,916 alleles (0.0056%); highest among the groups gnomAD compares: East Asian, 0.022%; 1 homozygote.

Submissions (3):

CeGaT Center for Human Genetics Tuebingen
Classification: Likely benign. Last evaluated: 2025-01-01. Review status: criteria provided, single submitter. Criteria: CeGaT Center For Human Genetics Tuebingen Variant Classification Criteria Version 2. Collection method: clinical testing. Allele origin: germline. Affected: yes. Observed: 1 variant allele.
Comment: GRID2: BP4, BP7

Blueprint Genetics
Classification: Likely benign. Last evaluated: 2022-12-01. Review status: criteria provided, single submitter. Criteria: ACMG Guidelines, 2015. Collection method: clinical testing. Allele origin: germline.

PreventionGenetics, part of Exact Sciences
Classification: Likely benign for GRID2-related condition. Last evaluated: 2019-06-27. Review status: no assertion criteria provided. Collection method: clinical testing. Allele origin: germline. Not counted in ClinVar's aggregate classification.
Comment: This variant is classified as likely benign based on ACMG/AMP sequence variant interpretation guidelines (Richards et al. 2015 PMID: 25741868, with internal and published modifications).